The following continues an entry in ClinVar:

NM_001267550.2(TTN):c.92176C>T (p.Pro30726Ser)

ClinVar aggregate classification (germline): Conflicting classifications of pathogenicity. Uncertain significance (2); Benign (5); Likely benign (11).

Submissions 22 to 25 of 25:

Diagnostic Laboratory, Department of Genetics, University Medical Center Groningen
Classification: Likely benign. Review status: no assertion criteria provided. Collection method: clinical testing. Allele origin: germline. Affected: yes. Study: VKGL Data-share Consensus. Not counted in ClinVar's aggregate classification.

Genome Diagnostics Laboratory, University Medical Center Utrecht
Classification: Benign. Review status: no assertion criteria provided. Collection method: clinical testing. Allele origin: germline. Affected: yes. Study: VKGL Data-share Consensus. Not counted in ClinVar's aggregate classification.

Joint Genome Diagnostic Labs from Nijmegen and Maastricht, Radboudumc and MUMC+
Classification: Benign. Review status: no assertion criteria provided. Collection method: clinical testing. Allele origin: germline. Affected: yes. Study: VKGL Data-share Consensus. Not counted in ClinVar's aggregate classification.

Practice for Gait Abnormalities, David Pomarino, Competency Network Toe Walking C/o Practice Pomarino
Classification: Likely pathogenic for Tip-toe gait. Review status: no assertion criteria provided. Collection method: clinical testing. Allele origin: germline. Affected: yes. Not counted in ClinVar's aggregate classification.
Comment: Myopathy refers to diseases that affect skeletal Muscles. These diseases attack muscle fibers, making muscles weak. Inherited myopathies are often caused by inheriting an abnormal gene mutation from a parent that causes the disease. Symptoms of congenital myopathies usually start at birth or in early childhood, but may not appear until the teen years or even later in adulthood. Congenital myopathies are somewhat unique compared with other inherited myopathies, as weakness typically affects all muscles and is often not progressive. Symptoms are: Muscle weakness, most commonly of upper arms and shoulders and thighs, muscle cramps, stiffness and spasms, fatigue with exertion and lack of energy. Our patients all walk on tiptoe, so they show similar symptoms. When we genetically test them with our toe walking panel, we find that around 90 per cent of them have a genetic variant that explains their toe walking. These can be assigned, for example, to the area of myopathies (such as variants of the COL6A3 gene), the area of hereditary neuropathies (such as variants of the KMT2C gene) or the area of metabolic diseases (such as variants of the PYGM gene). In a smaller group of patients with almost identical symptoms, no abnormality is found in the genes of our panel, but spastic paraplegia can be detected. In another small group of our toe walkers, no abnormalities can be detected in the genes analysed in our toe walking panel, nor do they suffer from spastic paraplegia, as is also the case with healthy children. In contrast to these, however, they show a tiptoe gait. These patients suffer from infantile cerebral palsy, in which toe walking can also be observed.

Literature cited by the submitters: PubMed 36357925 (cited by Mayo Clinic Laboratories, Mayo Clinic); PubMed 24503780 (cited by Laboratory for Molecular Medicine, Mass General Brigham Personalized Medicine); PubMed 37091313 (cited by Practice for Gait Abnormalities, David Pomarino, Competency Network Toe Walking C/o Practice Pomarino).